The following is an entry in ClinVar:

NM_000477.7(ALB):c.109G>A (p.Asp37Asn)

Gene: ALB (albumin; plus strand). Cytogenetic location: 4q13.3.
Variant type: single nucleotide variant.
Coding change: c.109G>A on transcript NM_000477.7 (MANE Select); coding-DNA position 109, G replaced by A.
Protein change: p.Asp37Asn; replaces aspartic acid 37 with asparagine.
Molecular consequence: missense variant.
Genome position (GRCh38, 1-based): chr4:73,405,145, G>A. VCF-style: chr4-73405145-G-A. GRCh37 (hg19) VCF-style: chr4-74270862-G-A.
Other names: short protein forms D37N.
Identifiers: ClinVar variation 904661 (VCV000904661.6), dbSNP rs374543070, ClinGen allele CA2959290.

ClinVar aggregate classification (germline): Uncertain significance. Review status: criteria provided, multiple submitters, no conflicts (2 of 4 stars). 2 submissions from 2 submitters: Uncertain significance (2). Last evaluated 2024-11-13.

Conditions:
Hyperthyroxinemia, familial dysalbuminemic (FDAH). Also called: EUTHYROID HYPERTHYROXINEMIA 1. Identifiers: MedGen C0342185, MONDO:0014448, OMIM 615999.

Allele frequency attached by ClinVar (database versions not stated): ExAC 0.00002; gnomAD 0.00003; TOPMed 0.00005; ESP Exome Variant Server 0.00008; 1000 Genomes Project 30x 0.00016; 1000 Genomes Project 0.00020.
gnomAD v4.1: 63 of 1,613,748 alleles (0.0039%); highest among the groups gnomAD compares: Middle Eastern, 0.083%; no homozygotes.

Submissions (2):

Labcorp Genetics (formerly Invitae), Labcorp
Classification: Uncertain significance. Last evaluated: 2024-11-13. Review status: criteria provided, single submitter. Criteria: Invitae Variant Classification Sherloc (09022015). Collection method: clinical testing. Allele origin: germline.
Comment: This sequence change replaces aspartic acid, which is acidic and polar, with asparagine, which is neutral and polar, at codon 37 of the ALB protein (p.Asp37Asn). This variant is present in population databases (rs374543070, gnomAD 0.01%). This variant has not been reported in the literature in individuals affected with ALB-related conditions. ClinVar contains an entry for this variant (Variation ID: 904661). Invitae Evidence Modeling of protein sequence and biophysical properties (such as structural, functional, and spatial information, amino acid conservation, physicochemical variation, residue mobility, and thermodynamic stability) indicates that this missense variant is expected to disrupt ALB protein function with a positive predictive value of 80%. In summary, the available evidence is currently insufficient to determine the role of this variant in disease. Therefore, it has been classified as a Variant of Uncertain Significance.

Illumina Laboratory Services, Illumina
Classification: Uncertain significance for Hyperthyroxinemia, familial dysalbuminemic. Last evaluated: 2018-01-13. Review status: criteria provided, single submitter. Criteria: ICSL Variant Classification Criteria 13 December 2019. Collection method: clinical testing. Allele origin: germline.